The following is an entry in ClinVar:

NM_000939.4(POMC):c.621C>G (p.His207Gln)

Gene: POMC (proopiomelanocortin; minus strand). Cytogenetic location: 2p23.3.
Variant type: single nucleotide variant.
Coding change: c.621C>G on transcript NM_000939.4 (MANE Select); coding-DNA position 621, C replaced by G.
Protein change: p.His207Gln; replaces histidine 207 with glutamine.
Molecular consequence: missense variant.
Genome position (GRCh38, 1-based): chr2:25,161,264, G>C on the plus strand (C>G on the coding strand, the complement: POMC is on the minus strand). VCF-style: chr2-25161264-G-C. GRCh37 (hg19) VCF-style: chr2-25384133-G-C.
Other names: c.621C>G, p.His207Gln (NM_001035256.3, NM_001319204.2, NM_001319205.2); short protein forms H207Q.
Identifiers: ClinVar variation 4989949 (VCV004989949.1).
Genomic context (GRCh38, chr2:25,161,264, plus strand): 5'-GCGGAAGTGCTCCATCCTGTAGGGGCCCTCGTCCTTCTTCTCGGCCGCCACCAGCAGGCT[G>C]TGCTCCAGGTCGGCCTGGGCCCCTGCGCCGTCATCGGCAGGGCCGTCGGGGCCATCTCCC-3'
Protein context (NP_000930.1, residues 197-217): DGAGAQADLE[His207Gln]SLLVAAEKKD

ClinVar aggregate classification (germline): Uncertain significance (1 of 4 stars; one submission).

Conditions:
POMC-related disorder. Also called: POMC-related disorders; POMC-related condition.

gnomAD v4.1: 6 of 1,612,176 alleles (0.00037%); highest among the groups gnomAD compares: African/African-American, 0.004%; no homozygotes.

Submission:

PreventionGenetics, part of Exact Sciences
Classification: Uncertain significance for POMC-related condition. Last evaluated: 2026-04-08. Review status: criteria provided, single submitter. Criteria: ACMG Guidelines, 2015. Collection method: clinical testing. Allele origin: germline.
Comment: The POMC c.621C>G variant is predicted to result in the amino acid substitution p.His207Gln. To our knowledge, this variant has not been reported in the literature. This variant is reported in 0.0064% of alleles in individuals of African descent in gnomAD. At this time, the clinical significance of this variant is uncertain due to the absence of conclusive functional and genetic evidence.